The following is an entry in ClinVar:

ClinVar aggregate classification (germline): Uncertain significance. Review status: criteria provided, multiple submitters, no conflicts (2 of 4 stars). 4 submissions from 4 submitters: Uncertain significance (3). 1 of the submissions does not count toward it. Last evaluated 2025-08-24.

Conditions:
Leber congenital amaurosis 5 (LCA5). Also called: Amaurosis congenita of Leber, type 5. Identifiers: Orphanet 65, MedGen C1858301, MONDO:0011473, OMIM 604537.
Inborn genetic diseases. Identifiers: MedGen C0950123, MeSH D030342.

Allele frequency attached by ClinVar (database versions not stated): gnomAD exomes 0.00002; TOPMed 0.00002; gnomAD 0.00003.
gnomAD v4.1: 34 of 1,613,408 alleles (0.0021%); highest among the groups gnomAD compares: Non-Finnish European, 0.0028%; no homozygotes.

Submissions (4):

Ambry Genetics
Classification: Uncertain significance for Inborn genetic diseases. Last evaluated: 2025-08-24. Review status: criteria provided, single submitter. Criteria: Ambry Variant Classification Scheme 2023. Collection method: clinical testing. Allele origin: germline.

Blueprint Genetics
Classification: Uncertain significance. Last evaluated: 2022-11-15. Review status: criteria provided, single submitter. Criteria: ACMG Guidelines, 2015. Collection method: clinical testing. Allele origin: germline.

Labcorp Genetics (formerly Invitae), Labcorp
Classification: Uncertain significance. Last evaluated: 2022-10-13. Review status: criteria provided, single submitter. Criteria: Invitae Variant Classification Sherloc (09022015). Collection method: clinical testing. Allele origin: germline.
Comment: This sequence change replaces glutamic acid, which is acidic and polar, with aspartic acid, which is acidic and polar, at codon 229 of the LCA5 protein (p.Glu229Asp). This variant is present in population databases (rs201349266, gnomAD 0.01%). This variant has not been reported in the literature in individuals affected with LCA5-related conditions. ClinVar contains an entry for this variant (Variation ID: 939526). Advanced modeling of protein sequence and biophysical properties (such as structural, functional, and spatial information, amino acid conservation, physicochemical variation, residue mobility, and thermodynamic stability) performed at Invitae indicates that this missense variant is expected to disrupt LCA5 protein function. In summary, the available evidence is currently insufficient to determine the role of this variant in disease. Therefore, it has been classified as a Variant of Uncertain Significance.

Natera, Inc.
Classification: Uncertain significance for Leber congenital amaurosis type 5. Last evaluated: 2021-07-30. Review status: no assertion criteria provided. Collection method: clinical testing. Allele origin: germline. Not counted in ClinVar's aggregate classification.

NM_001122769.3(LCA5):c.687G>C (p.Glu229Asp)

Gene: LCA5 (lebercilin LCA5; minus strand). Cytogenetic location: 6q14.1.
Variant type: single nucleotide variant.
Coding change: c.687G>C on transcript NM_001122769.3 (MANE Select); coding-DNA position 687, G replaced by C.
Protein change: p.Glu229Asp; replaces glutamic acid 229 with aspartic acid.
Molecular consequence: missense variant.
Genome position (GRCh38, 1-based): chr6:79,513,245, C>G on the plus strand (G>C on the coding strand, the complement: LCA5 is on the minus strand). VCF-style: chr6-79513245-C-G. GRCh37 (hg19) VCF-style: chr6-80222962-C-G.
Other names: c.687G>C, p.Glu229Asp (NM_181714.4); short protein forms E229D.
Identifiers: ClinVar variation 939526 (VCV000939526.9), dbSNP rs201349266, ClinGen allele CA141844376.